The following is an entry in ClinVar:

ClinVar aggregate classification (germline): Uncertain significance (1 of 4 stars; one submission).

Submission:

Labcorp Genetics (formerly Invitae), Labcorp
Classification: Uncertain significance. Last evaluated: 2022-08-16. Review status: criteria provided, single submitter. Criteria: Invitae Variant Classification Sherloc (09022015). Collection method: clinical testing. Allele origin: germline.
Comment: In summary, the available evidence is currently insufficient to determine the role of this variant in disease. Therefore, it has been classified as a Variant of Uncertain Significance. Experimental studies and prediction algorithms are not available or were not evaluated, and the functional significance of this variant is currently unknown. ClinVar contains an entry for this variant (Variation ID: 1407544). This variant has not been reported in the literature in individuals affected with NR2E3-related conditions. This variant is not present in population databases (gnomAD no frequency). This sequence change replaces alanine with valine at codon 231 of the NR2E3 protein (p.Ala231Val). The alanine residue is highly conserved and there is a small physicochemical difference between alanine and valine.

NM_014249.4(NR2E3):c.692C>T (p.Ala231Val)

Gene: NR2E3 (nuclear receptor subfamily 2 group E member 3; plus strand). Cytogenetic location: 15q23.
Variant type: single nucleotide variant.
Coding change: c.692C>T on transcript NM_014249.4 (MANE Select); coding-DNA position 692, C replaced by T.
Protein change: p.Ala231Val; replaces alanine 231 with valine.
Molecular consequence: missense variant.
Genome position (GRCh38, 1-based): chr15:71,812,456, C>T. VCF-style: chr15-71812456-C-T. GRCh37 (hg19) VCF-style: chr15-72104796-C-T.
Other names: c.692C>T, p.Ala231Val (NM_016346.4); short protein forms A231V.
Identifiers: ClinVar variation 1407544 (VCV001407544.6), dbSNP rs2140290093, ClinGen allele CA393035552.